The following is an entry in ClinVar:

ClinVar aggregate classification (germline): Likely pathogenic (1 of 4 stars; one submission).

Conditions:
Dilated cardiomyopathy 1G (CMD1G). Identifiers: Orphanet 154, MedGen C1858763, MONDO:0011400, OMIM 604145.
Autosomal recessive limb-girdle muscular dystrophy type 2J (LGMDR10). Also called: Limb-girdle muscular dystrophy, type 2J; MUSCULAR DYSTROPHY, LIMB-GIRDLE, AUTOSOMAL RECESSIVE 10. Identifiers: Orphanet 140922, MedGen C1837342, MONDO:0012127, OMIM 608807.

Submission:

Labcorp Genetics (formerly Invitae), Labcorp
Classification: Likely pathogenic for Dilated cardiomyopathy 1G; Autosomal recessive limb-girdle muscular dystrophy type 2J. Last evaluated: 2024-11-21. Review status: criteria provided, single submitter. Criteria: Invitae Variant Classification Sherloc (09022015). Collection method: clinical testing. Allele origin: germline.
Comment: This sequence change creates a premature translational stop signal (p.Cys26564*) in the TTN gene. While this is not anticipated to result in nonsense mediated decay, it is expected to create a truncated TTN protein. This variant is not present in population databases (gnomAD no frequency). This variant has not been reported in the literature in individuals affected with TTN-related conditions. This variant is located in the A band of TTN (PMID: 25589632). Truncating variants in this region are significantly overrepresented in patients affected with dilated cardiomyopathy (PMID: 25589632). Truncating variants in this region have also been reported in individuals affected with autosomal recessive centronuclear myopathy (PMID: 23975875). In summary, the currently available evidence indicates that the variant is pathogenic, but additional data are needed to prove that conclusively. Therefore, this variant has been classified as Likely Pathogenic.

Literature cited by the submitters: PubMed 25589632; PubMed 23975875.

NM_001267550.2(TTN):c.79692T>A (p.Cys26564Ter)

Genes: TTN-AS1 (TTN antisense RNA 1; plus strand), TTN (titin; minus strand). Cytogenetic location: 2q31.2.
Variant type: single nucleotide variant.
Coding change: c.79692T>A on transcript NM_001267550.2 (MANE Select); coding-DNA position 79692, T replaced by A.
Protein change: p.Cys26564Ter; replaces cysteine 26564 with a stop codon.
Molecular consequence: nonsense.
Genome position (GRCh38, 1-based): chr2:178,566,440, A>T on the plus strand (T>A on the coding strand, the complement: TTN is on the minus strand). VCF-style: chr2-178566440-A-T. GRCh37 (hg19) VCF-style: chr2-179431167-A-T.
Other names: c.74769T>A, p.Cys24923Ter (NM_001256850.1); c.52497T>A, p.Cys17499Ter (NM_003319.4); c.71988T>A, p.Cys23996Ter (NM_133378.4); c.52872T>A, p.Cys17624Ter (NM_133432.3); c.53073T>A, p.Cys17691Ter (NM_133437.4); short protein forms C17499*, C17624*, C17691*, C23996*, C24923*, C26564*.
Identifiers: ClinVar variation 3759843 (VCV003759843.2).
Genomic context (GRCh38, chr2:178,566,440, plus strand): 5'-TTCTGGTTTCACAGTACCAGGAACTGATGTAGCCTCACCTAAACCAACTTTGTTGAGGGC[A>T]CAGACTCGTATTTTATACTCTTGGTGTTCAGTGAGTTTTGAAATTTCAAATCGAGTGACT-3'